The following is an entry in ClinVar:

NM_022455.5(NSD1):c.5623-3060A>G

Gene: NSD1 (nuclear receptor binding SET domain protein 1; plus strand). Cytogenetic location: 5q35.3.
Variant type: single nucleotide variant.
Coding change: c.5623-3060A>G on transcript NM_022455.5 (MANE Select); 3060 bases into the intron before coding-DNA position 5623, A replaced by G.
Molecular consequence: intron variant.
Genome position (GRCh38, 1-based): chr5:177,277,505, A>G. VCF-style: chr5-177277505-A-G. GRCh37 (hg19) VCF-style: chr5-176704506-A-G.
Other names: c.5623-3060A>G (NM_001409301.1, NM_001409302.1, NM_001409303.1); c.5203-3060A>G (NM_001409304.1); c.4870-3060A>G (NM_001409305.1); c.4861-3060A>G (NM_001409306.1, NM_001409307.1); c.4750-3060A>G (NM_001409308.1, NM_172349.5, NM_001409309.1 and 1 more transcripts).
Identifiers: ClinVar variation 4857683 (VCV004857683.1).

ClinVar aggregate classification (germline): Pathogenic (0 of 4 stars; one submission).

Conditions:
Sotos syndrome (SOTOS). Also called: Distinctive facial appearance, overgrowth in childhood, and learning disabilities or delayed development; CHROMOSOME 5q35 DELETION SYNDROME; SOTOS SYNDROME 1; CEREBRAL GIGANTISM; Sotos' syndrome. Identifiers: Orphanet 821, MedGen C0175695, MONDO:0019349, OMIM 117550.

Submission:

Rare Disease Genomics Lab, Stellenbosch Faculty of Medicine
Classification: Pathogenic for Sotos syndrome. Review status: no assertion criteria provided. Collection method: research. Allele origin: de novo. Inheritance: Autosomal dominant inheritance. Affected: yes. Observed: 1 variant allele, 1 heterozygote.
Comment: Initially classified as a VUS; RNAseq proved the abnormal creation of a pseudoexon and a premature stop codon p.(Val1875Trpfs20*). PVS1, PS3, PM2 and PPS3